The following is an entry in ClinVar:

ClinVar aggregate classification (germline): Benign. Review status: criteria provided, multiple submitters, no conflicts (2 of 4 stars). 2 submissions from 2 submitters: Benign (2). Last evaluated 2018-01-12.

Conditions:
NAFLD1 (FLD1). Also called: FATTY LIVER DISEASE, SUSCEPTIBILITY TO, 1; Fatty liver disease, nonalcoholic 1. Identifiers: MedGen C2750440, MONDO:0021105, OMIM 613282.

Allele frequency attached by ClinVar (database versions not stated): 1000 Genomes Project 0.03494; 1000 Genomes Project 30x 0.03560; TOPMed 0.05997; gnomAD 0.06234 and 0.06272; ExAC 0.06641; gnomAD exomes 0.06641; ESP Exome Variant Server 0.06989.
gnomAD v4.1: 137,934 of 1,614,066 alleles (8.5%); highest among the groups gnomAD compares: Non-Finnish European, 10%; 6,575 homozygotes.

Submissions (2):

Illumina Laboratory Services, Illumina
Classification: Benign for NAFLD1. Last evaluated: 2018-01-12. Review status: criteria provided, single submitter. Criteria: ICSL Variant Classification Criteria 13 December 2019. Collection method: clinical testing. Allele origin: germline.
Comment: This variant was observed in the ICSL laboratory as part of a predisposition screen in an ostensibly healthy population. It had not been previously curated by ICSL or reported in the Human Gene Mutation Database (HGMD: prior to June 1st, 2018), and was therefore a candidate for classification through an automated scoring system. Utilizing variant allele frequency, disease prevalence and penetrance estimates, and inheritance mode, an automated score was calculated to assess if this variant is too frequent to cause the disease. Based on the score and internal cut-off values, a variant classified as benign is not then subjected to further curation. The score for this variant resulted in a classification of benign for this disease.

Breakthrough Genomics
Classification: Benign. Review status: criteria provided, single submitter. Criteria: ACMG Guidelines, 2015. Collection method: not provided. Allele origin: germline. Inheritance: Unknown mechanism. Affected: yes.

NM_025225.3(PNPLA3):c.561C>T (p.Phe187=)

Gene: PNPLA3 (patatin like domain 3, 1-acylglycerol-3-phosphate O-acyltransferase; plus strand). Cytogenetic location: 22q13.31.
Variant type: single nucleotide variant.
Coding change: c.561C>T on transcript NM_025225.3 (MANE Select); coding-DNA position 561, C replaced by T.
Protein change: p.Phe187=; no amino-acid change (phenylalanine 187 retained).
Molecular consequence: synonymous variant.
Genome position (GRCh38, 1-based): chr22:43,932,952, C>T. VCF-style: chr22-43932952-C-T. GRCh37 (hg19) VCF-style: chr22-44328832-C-T.
Identifiers: ClinVar variation 341934 (VCV000341934.6), dbSNP rs34179073, ClinGen allele CA10277973.